The following is an entry in ClinVar:

ClinVar aggregate classification (germline): Uncertain significance (1 of 4 stars; one submission).

Conditions:
Hypophosphatasia. Also called: Phosphoethanol-aminuria. Identifiers: Orphanet 436, MedGen C0020630, MeSH D007014, MONDO:0018570.

gnomAD v4.1: 1 of 1,614,084 alleles (0.000062%); highest among the groups gnomAD compares: Non-Finnish European, 0.000085%; no homozygotes.

Submission:

Genomenon, Inc
Classification: Uncertain significance for Hypophosphatasia. Last evaluated: 2026-09-01. Review status: criteria provided, single submitter. Criteria: Genomenon Sequence Variant Interpretation Standards - Updated. Collection method: curation. Allele origin: germline. Affected: yes.
Comment: ALPL p.Asp183His (c.547G>C) is a missense variant that changes the amino acid at codon 183 from Aspartic acid to Histidine. This variant has been observed in at least one proband affected with an ALPL-related disorder (PMID:32160374). It is absent or not present at a significant frequency in gnomAD. In conclusion, we classify ALPL p.Asp183His (c.547G>C) as a variant of uncertain significance.

Literature cited by the submitters: PubMed 32160374.

NM_000478.6(ALPL):c.547G>C (p.Asp183His)

Gene: ALPL (alkaline phosphatase, biomineralization associated; plus strand). Cytogenetic location: 1p36.12.
Variant type: single nucleotide variant.
Coding change: c.547G>C on transcript NM_000478.6 (MANE Select); coding-DNA position 547, G replaced by C.
Protein change: p.Asp183His; replaces aspartic acid 183 with histidine.
Molecular consequence: missense variant.
Genome position (GRCh38, 1-based): chr1:21,564,115, G>C. VCF-style: chr1-21564115-G-C. GRCh37 (hg19) VCF-style: chr1-21890608-G-C.
Other names: c.382G>C, p.Asp128His (NM_001127501.4); c.316G>C, p.Asp106His (NM_001177520.3); c.547G>C, p.Asp183His (NM_001369803.2, NM_001369804.2, NM_001369805.2); short protein forms D106H, D128H, D183H.
Identifiers: ClinVar variation 4974807 (VCV004974807.1).
Genomic context (GRCh38, chr1:21,564,115, plus strand): 5'-ATTGTGACCACCACGAGAGTGAACCATGCCACCCCCAGCGCCGCCTACGCCCACTCGGCT[G>C]ACCGGGACTGGTACTCAGACAACGAGATGCCCCCTGAGGCCTTGAGCCAGGGCTGTAAGG-3'
Protein context (NP_000469.3, residues 173-193): TPSAAYAHSA[Asp183His]RDWYSDNEMP